The following is an entry in ClinVar:

NM_201384.3(PLEC):c.13062G>A (p.Lys4354=)

Gene: PLEC (plectin; minus strand). Cytogenetic location: 8q24.3.
Variant type: single nucleotide variant.
Coding change: c.13062G>A on transcript NM_201384.3 (MANE Select); coding-DNA position 13062, G replaced by A.
Protein change: p.Lys4354=; no amino-acid change (lysine 4354 retained).
Molecular consequence: synonymous variant.
Genome position (GRCh38, 1-based): chr8:143,916,759, C>T on the plus strand (G>A on the coding strand, the complement: PLEC is on the minus strand). VCF-style: chr8-143916759-C-T. GRCh37 (hg19) VCF-style: chr8-144990927-C-T.
Other names: c.13143G>A (NM_000445.4); c.13143G>A, p.Lys4381= (NM_000445.5); c.9762G>A, p.Lys3254= (NM_001410941.1); c.13020G>A, p.Lys4340= (NM_201378.4); c.12996G>A, p.Lys4332= (NM_201379.3); c.13473G>A, p.Lys4491= (NM_201380.4); c.12966G>A, p.Lys4322= (NM_201381.3); c.13062G>A, p.Lys4354= (NM_201382.4); and 1 more.
Identifiers: ClinVar variation 2066919 (VCV002066919.5), dbSNP rs1820708197, ClinGen allele CA463525745.

ClinVar aggregate classification (germline): Likely benign. Review status: criteria provided, multiple submitters, no conflicts (2 of 4 stars). 2 submissions from 2 submitters: Likely benign (2). Last evaluated 2026-06-28.

Conditions:
PLEC-related disorder. Also called: PLEC-related condition; PLEC-related disorders.
Epidermolysis bullosa simplex, Ogna type (EBS5A). Also called: EPIDERMOLYSIS BULLOSA SIMPLEX 5A, OGNA TYPE; Pidermolysis bullosa simplex 5A, Ogna type. Identifiers: Orphanet 79401, MedGen C0432317, MONDO:0007555, OMIM 131950.
Epidermolysis bullosa simplex 5C, with pyloric atresia (EBS5C). Also called: PLEC1-Related Epidermolysis Bullosa with Pyloric Atresia; PLEC-Related Epidermolysis Bullosa with Pyloric Atresia; Epidermolysis bullosa simplex with pyloric atresia. Identifiers: Orphanet 158684, MedGen C2677349, MONDO:0012807, OMIM 612138.
Autosomal recessive limb-girdle muscular dystrophy type 2Q (LGMDR17). Also called: MUSCULAR DYSTROPHY, LIMB-GIRDLE, AUTOSOMAL RECESSIVE 17. Identifiers: Orphanet 254361, MedGen C3150989, MONDO:0013390, OMIM 613723.
Epidermolysis bullosa simplex 5B, with muscular dystrophy (EBS5B). Also called: EPIDERMOLYSIS BULLOSA SIMPLEX AND LIMB-GIRDLE MUSCULAR DYSTROPHY; Epidermolysis bullosa simplex with muscular dystrophy. Identifiers: Orphanet 257, MedGen C2931072, MONDO:0009181, OMIM 226670.
Epidermolysis bullosa simplex with nail dystrophy (EBS5D). Identifiers: MedGen C4225309, MONDO:0014661, OMIM 616487.

Allele frequency attached by ClinVar (database versions not stated): TOPMed below 0.00001; gnomAD exomes 0.00001; gnomAD 0.00002.
gnomAD v4.1: 6 of 1,613,204 alleles (0.00037%); highest among the groups gnomAD compares: South Asian, 0.0055%; no homozygotes.

Submissions (2):

PreventionGenetics, part of Exact Sciences
Classification: Likely benign for PLEC-related condition. Last evaluated: 2026-06-28. Review status: criteria provided, single submitter. Criteria: ACMG Guidelines, 2015. Collection method: clinical testing. Allele origin: germline.
Comment: This variant is classified as likely benign based on ACMG/AMP sequence variant interpretation guidelines (Richards et al. 2015 PMID: 25741868, with internal and published modifications).

Labcorp Genetics (formerly Invitae), Labcorp
Classification: Likely benign for Autosomal recessive limb-girdle muscular dystrophy type 2Q; Epidermolysis bullosa simplex, Ogna type; Epidermolysis bullosa simplex with nail dystrophy; Epidermolysis bullosa simplex 5C, with pyloric atresia; Epidermolysis bullosa simplex 5B, with muscular dystrophy. Last evaluated: 2024-05-06. Review status: criteria provided, single submitter. Criteria: Invitae Variant Classification Sherloc (09022015). Collection method: clinical testing. Allele origin: germline.